The following is an entry in ClinVar:

NM_020832.3(ZNF687):c.2743G>A (p.Ala915Thr)

Gene: ZNF687 (zinc finger protein 687; plus strand). Cytogenetic location: 1q21.3.
Variant type: single nucleotide variant.
Coding change: c.2743G>A on transcript NM_020832.3 (MANE Select); coding-DNA position 2743, G replaced by A.
Protein change: p.Ala915Thr; replaces alanine 915 with threonine.
Molecular consequence: missense variant.
Genome position (GRCh38, 1-based): chr1:151,289,786, G>A. VCF-style: chr1-151289786-G-A. GRCh37 (hg19) VCF-style: chr1-151262262-G-A.
Other names: c.2743G>A (NM_020832.1); c.2743G>A, p.Ala915Thr (NM_001304763.2, NM_001304764.2); short protein forms A915T.
Identifiers: ClinVar variation 2857750 (VCV002857750.4), dbSNP rs587733798, ClinGen allele CA1088632.
Genomic context (GRCh38, chr1:151,289,786, plus strand): 5'-GGGGGTGCCCTGCTGACCCCCAAGACTGAGCCTGAGGAGCTGGCTGTTTCTCAGGGAGGG[G>A]CAGCCCCTGCTACTGAGGAGTCGTCTTCATCTTCAGAAGAGGAGGAAGTACCCAGCTCCC-3'
Protein context (NP_065883.1, residues 905-925): PEELAVSQGG[Ala915Thr]APATEESSSS

ClinVar aggregate classification (germline): Uncertain significance. Review status: criteria provided, multiple submitters, no conflicts (2 of 4 stars). 2 submissions from 2 submitters: Uncertain significance (2). Last evaluated 2025-11-26.

Allele frequency attached by ClinVar (database versions not stated): 1000 Genomes Project 30x 0.00094; 1000 Genomes Project 0.00080; gnomAD exomes 0.00003; ExAC 0.00004; gnomAD 0.00042.
gnomAD v4.1: 109 of 1,562,978 alleles (0.007%); highest among the groups gnomAD compares: African/African-American, 0.14%; no homozygotes.

Submissions (2):

Ambry Genetics
Classification: Uncertain significance. Last evaluated: 2025-11-26. Review status: criteria provided, single submitter. Criteria: Ambry Variant Classification Scheme 2023. Collection method: clinical testing. Allele origin: germline.

Labcorp Genetics (formerly Invitae), Labcorp
Classification: Uncertain significance. Last evaluated: 2025-04-03. Review status: criteria provided, single submitter. Criteria: Invitae Variant Classification Sherloc (09022015). Collection method: clinical testing. Allele origin: germline.
Comment: This sequence change replaces alanine, which is neutral and non-polar, with threonine, which is neutral and polar, at codon 915 of the ZNF687 protein (p.Ala915Thr). This variant is present in population databases (rs587733798, gnomAD 0.1%), and has an allele count higher than expected for a pathogenic variant. This variant has not been reported in the literature in individuals affected with ZNF687-related conditions. ClinVar contains an entry for this variant (Variation ID: 2857750). An algorithm developed to predict the effect of missense changes on protein structure and function outputs the following: PolyPhen-2: "Benign". The threonine amino acid residue is found in multiple mammalian species, which suggests that this missense change does not adversely affect protein function. In summary, the available evidence is currently insufficient to determine the role of this variant in disease. Therefore, it has been classified as a Variant of Uncertain Significance.